The following is an entry in ClinVar:

NM_000400.4(ERCC2):c.457C>T (p.Pro153Ser)

Gene: ERCC2 (ERCC excision repair 2, TFIIH core complex helicase subunit; minus strand). Cytogenetic location: 19q13.32.
Variant type: single nucleotide variant.
Coding change: c.457C>T on transcript NM_000400.4 (MANE Select); coding-DNA position 457, C replaced by T.
Protein change: p.Pro153Ser; replaces proline 153 with serine.
Molecular consequence: missense variant.
Genome position (GRCh38, 1-based): chr19:45,365,062, G>A on the plus strand (C>T on the coding strand, the complement: ERCC2 is on the minus strand). VCF-style: chr19-45365062-G-A. GRCh37 (hg19) VCF-style: chr19-45868320-G-A.
Other names: c.385C>T, p.Pro129Ser (NM_001130867.2); short protein forms P129S, P153S.
Identifiers: ClinVar variation 2452372 (VCV002452372.2), dbSNP rs1488539972, ClinGen allele CA406375881.

ClinVar aggregate classification (germline): Uncertain significance (1 of 4 stars; one submission).

Conditions:
Inborn genetic diseases. Identifiers: MedGen C0950123, MeSH D030342.

Submission:

Ambry Genetics
Classification: Uncertain significance for Inborn genetic diseases. Last evaluated: 2023-02-20. Review status: criteria provided, single submitter. Criteria: Ambry Variant Classification Scheme 2023. Collection method: clinical testing. Allele origin: germline.
Comment: The p.P153S variant (also known as c.457C>T), located in coding exon 6 of the ERCC2 gene, results from a C to T substitution at nucleotide position 457. The proline at codon 153 is replaced by serine, an amino acid with similar properties. This amino acid position is conserved. In addition, the in silico prediction for this alteration is inconclusive. Since supporting evidence is limited at this time, the clinical significance of this alteration remains unclear.